The following is an entry in ClinVar:

ClinVar aggregate classification (germline): Likely benign. Review status: criteria provided, multiple submitters, no conflicts (2 of 4 stars). 5 submissions from 4 submitters: Likely benign (4). 1 of the submissions does not count toward it. Last evaluated 2025-12-28.

Conditions:
Seckel syndrome 1 (SCKL1). Also called: MICROCEPHALIC PRIMORDIAL DWARFISM I. Identifiers: Orphanet 808, MedGen C4551474, MONDO:0008869, OMIM 210600.
ATR-related disorder. Also called: ATR-related condition.
Inborn genetic diseases. Identifiers: MedGen C0950123, MeSH D030342.
Familial cutaneous telangiectasia and oropharyngeal predisposition cancer syndrome. Identifiers: Orphanet 313846, MedGen C3281203, MONDO:0013806, OMIM 614564.

Allele frequency attached by ClinVar (database versions not stated): 1000 Genomes Project 0.00020; gnomAD 0.00032 and 0.00036; TOPMed 0.00045; ESP Exome Variant Server 0.00046; gnomAD exomes 0.00005 and 0.00012; ExAC 0.00015; 1000 Genomes Project 30x 0.00016.
gnomAD v4.1: 123 of 1,612,148 alleles (0.0076%); highest among the groups gnomAD compares: African/African-American, 0.15%; no homozygotes.

Submissions (5):

Labcorp Genetics (formerly Invitae), Labcorp
Classification: Likely benign. Last evaluated: 2025-12-28. Review status: criteria provided, single submitter. Criteria: Invitae Variant Classification Sherloc (09022015). Collection method: clinical testing. Allele origin: germline.

Genome-Nilou Lab
Classification: Likely benign for Seckel syndrome 1. Last evaluated: 2023-02-08. Review status: criteria provided, single submitter. Criteria: ACMG Guidelines, 2015. Collection method: clinical testing. Allele origin: germline.

Genome-Nilou Lab
Classification: Likely benign for Familial cutaneous telangiectasia and oropharyngeal predisposition cancer syndrome. Last evaluated: 2023-02-08. Review status: criteria provided, single submitter. Criteria: ACMG Guidelines, 2015. Collection method: clinical testing. Allele origin: germline.

Ambry Genetics
Classification: Likely benign for Inborn genetic diseases. Last evaluated: 2022-02-12. Review status: criteria provided, single submitter. Criteria: Ambry Variant Classification Scheme 2023. Collection method: clinical testing. Allele origin: germline.

PreventionGenetics, part of Exact Sciences
Classification: Likely benign for ATR-related condition. Last evaluated: 2024-05-03. Review status: no assertion criteria provided. Collection method: clinical testing. Allele origin: germline. Not counted in ClinVar's aggregate classification.
Comment: This variant is classified as likely benign based on ACMG/AMP sequence variant interpretation guidelines (Richards et al. 2015 PMID: 25741868, with internal and published modifications).

NM_001184.4(ATR):c.3372A>G (p.Gln1124=)

Gene: ATR (ATR checkpoint kinase; minus strand). Cytogenetic location: 3q23.
Variant type: single nucleotide variant.
Coding change: c.3372A>G on transcript NM_001184.4 (MANE Select); coding-DNA position 3372, A replaced by G.
Protein change: p.Gln1124=; no amino-acid change (glutamine 1124 retained).
Molecular consequence: synonymous variant.
Genome position (GRCh38, 1-based): chr3:142,542,743, T>C on the plus strand (A>G on the coding strand, the complement: ATR is on the minus strand). VCF-style: chr3-142542743-T-C. GRCh37 (hg19) VCF-style: chr3-142261585-T-C.
Other names: c.3180A>G, p.Gln1060= (NM_001354579.2).
Identifiers: ClinVar variation 697232 (VCV000697232.14), dbSNP rs142903351, ClinGen allele CA2650124.